The following is an entry in ClinVar:

NM_138694.4(PKHD1):c.10075G>C (p.Gly3359Arg)

Gene: PKHD1 (PKHD1 ciliary IPT domain containing fibrocystin/polyductin; minus strand). Cytogenetic location: 6p12.3.
Variant type: single nucleotide variant.
Coding change: c.10075G>C on transcript NM_138694.4 (MANE Select); coding-DNA position 10075, G replaced by C.
Protein change: p.Gly3359Arg; replaces glycine 3359 with arginine.
Molecular consequence: missense variant.
Genome position (GRCh38, 1-based): chr6:51,744,466, C>G on the plus strand (G>C on the coding strand, the complement: PKHD1 is on the minus strand). VCF-style: chr6-51744466-C-G. GRCh37 (hg19) VCF-style: chr6-51609264-C-G.
Other names: c.10075G>C, p.Gly3359Arg (NM_170724.3); short protein forms G3359R.
Identifiers: ClinVar variation 1805792 (VCV001805792.2), dbSNP rs747753565, ClinGen allele CA3851256.
Genomic context (GRCh38, chr6:51,744,466, plus strand): 5'-TCCATTCTGCCTCTGTTTTAGGAAATACAGAAACTGGTGGAGGCAGACCCAGGGCTCTCC[C>G]ATCCAGATCCTTGAAGAGATATTTTCTTGGACTTGCACAGTCTAATTCAGGACAGACTAC-3'
Protein context (NP_619639.3, residues 3349-3369): PRKYLFKDLD[Gly3359Arg]RALGLPPPVS

ClinVar aggregate classification (germline): Uncertain significance. Review status: criteria provided, multiple submitters, no conflicts (2 of 4 stars). 2 submissions from 2 submitters: Uncertain significance (2). Last evaluated 2023-04-24.

Conditions:
Polycystic kidney disease 4 (PKD4). Also called: PKD3; Autosomal Recessive Polycystic Kidney Disease – PKHD1; POLYCYSTIC KIDNEY AND HEPATIC DISEASE 1; POLYCYSTIC KIDNEY DISEASE, INFANTILE, TYPE I; POLYCYSTIC KIDNEY DISEASE 4 WITH OR WITHOUT POLYCYSTIC LIVER DISEASE. Identifiers: MedGen C4540575, MONDO:0033004, OMIM 263200.

Allele frequency attached by ClinVar (database versions not stated): gnomAD exomes below 0.00001; ExAC 0.00001.
gnomAD v4.1: 2 of 1,612,748 alleles (0.00012%); highest among the groups gnomAD compares: South Asian, 0.0022%; no homozygotes.

Submissions (2):

Department of Pathology and Laboratory Medicine, Sinai Health System
Classification: Uncertain significance for Polycystic kidney disease 4. Last evaluated: 2023-04-24. Review status: criteria provided, single submitter. Criteria: ACMG Guidelines, 2015. Collection method: research. Allele origin: germline.

Victorian Clinical Genetics Services, Murdoch Childrens Research Institute
Classification: Uncertain significance for Polycystic kidney disease 4. Last evaluated: 2020-10-19. Review status: criteria provided, single submitter. Criteria: ACMG Guidelines, 2015. Collection method: clinical testing. Allele origin: germline. Inheritance: Autosomal recessive inheritance. Affected: yes.
Comment: Based on the classification scheme VCGS_Germline_v1.1.1, this variant is classified as 3A-VUS. Following criteria are met: 0102 - Loss-of-function is a known mechanism of disease for this gene. (N) 0106 - This gene is known to be associated with autosomal recessive disease. (N) 0200 - Variant is predicted to result in a missense amino acid change from glycine to arginine (exon 60). (N) 0251 - Variant is heterozygous. (N) 0304 - Variant is present in gnomAD <0.01 for a recessive condition (1 Heterozygote, 0 Homozygotes). (P) 0501 - Missense variant consistently predicted to be damaging by multiple in-silico tools or highly conserved with a major amino acid change. (P) 0604 - Variant is not located in an established domain, motif, hotspot or informative constraint region. (N) 0705 - No comparable variants have previous evidence for pathogenicity. (N) 0807 - Variant has not previously been reported in a clinical context. (N) 0905 - No segregation evidence has been identified for this variant. (N) 1007 - No published functional evidence has been identified for this variant. (N) 1102 - Strong phenotype match. (N)